The following is an entry in ClinVar:

NM_177438.3(DICER1):c.734+4T>A

Gene: DICER1 (dicer 1, ribonuclease III; minus strand). Cytogenetic location: 14q32.13.
Variant type: single nucleotide variant.
Coding change: c.734+4T>A on transcript NM_177438.3 (MANE Select); 4 bases into the intron after coding-DNA position 734, T replaced by A.
Molecular consequence: intron variant.
Genome position (GRCh38, 1-based): chr14:95,129,468, A>T on the plus strand (T>A on the coding strand, the complement: DICER1 is on the minus strand). VCF-style: chr14-95129468-A-T. GRCh37 (hg19) VCF-style: chr14-95595805-A-T.
Other names: c.734+4T>A (NM_001291628.2, NM_030621.4, NM_001271282.3 and 1 more transcripts).
Identifiers: ClinVar variation 479629 (VCV000479629.23), dbSNP rs866993296, ClinGen allele CA265926069.

ClinVar aggregate classification (germline): Conflicting classifications of pathogenicity. Review status: criteria provided, conflicting classifications (1 of 4 stars). 5 submissions from 5 submitters: Uncertain significance (1); Likely benign (3). 1 of the submissions does not count toward it. Last evaluated 2026-08-17.

Conditions:
DICER1-related tumor predisposition. Also called: DICER1 syndrome; DICER1-related pleuropulmonary blastoma cancer predisposition syndrome. Identifiers: Orphanet 284343, MedGen C3839822, MONDO:0100216.
Hereditary cancer-predisposing syndrome. Also called: Tumor predisposition; Neoplastic Syndromes, Hereditary; Hereditary Cancer Syndrome; Hereditary neoplastic syndrome. Identifiers: Orphanet 140162, MedGen C0027672, MeSH D009386, MONDO:0015356.
DICER1-related disorder. Also called: DICER1-related condition.

Allele frequency attached by ClinVar (database versions not stated): TOPMed 0.00001.

Submissions (5):

Myriad Genetics, Inc.
Classification: Likely benign for DICER1-related tumor predisposition. Last evaluated: 2026-08-17. Review status: criteria provided, single submitter. Criteria: Myriad Autosomal Dominant, Autosomal Recessive and X-Linked Classification Criteria (2023). Collection method: clinical testing. Allele origin: unknown.
Comment: This variant is considered likely benign. This variant is intronic and is not expected to impact mRNA splicing.

Ambry Genetics
Classification: Likely benign for Hereditary cancer-predisposing syndrome. Last evaluated: 2026-03-30. Review status: criteria provided, single submitter. Criteria: Ambry Variant Classification Scheme 2023. Collection method: clinical testing. Allele origin: germline.

Labcorp Genetics (formerly Invitae), Labcorp
Classification: Likely benign for DICER1-related tumor predisposition. Last evaluated: 2026-01-24. Review status: criteria provided, single submitter. Criteria: Invitae Variant Classification Sherloc (09022015). Collection method: clinical testing. Allele origin: germline.

Center for Genomic Medicine, Rigshospitalet, Copenhagen University Hospital
Classification: Uncertain significance. Last evaluated: 2025-03-04. Review status: criteria provided, single submitter. Criteria: ACMG Guidelines, 2015. Collection method: clinical testing. Allele origin: germline.

PreventionGenetics, part of Exact Sciences
Classification: Likely benign for DICER1-related condition. Last evaluated: 2024-08-24. Review status: no assertion criteria provided. Collection method: clinical testing. Allele origin: germline. Not counted in ClinVar's aggregate classification.
Comment: This variant is classified as likely benign based on ACMG/AMP sequence variant interpretation guidelines (Richards et al. 2015 PMID: 25741868, with internal and published modifications).